The following is an entry in ClinVar:

ClinVar aggregate classification (germline): Uncertain significance (1 of 4 stars; one submission).

Conditions:
Cardiovascular phenotype. Identifiers: MedGen CN230736.

Submission:

Ambry Genetics
Classification: Uncertain significance for Cardiovascular phenotype. Last evaluated: 2021-09-15. Review status: criteria provided, single submitter. Criteria: Ambry Variant Classification Scheme 2023. Collection method: clinical testing. Allele origin: germline.
Comment: The p.G1325D variant (also known as c.3974G>A), located in coding exon 26 of the MYH6 gene, results from a G to A substitution at nucleotide position 3974. The glycine at codon 1325 is replaced by aspartic acid, an amino acid with similar properties. This amino acid position is conserved. In addition, this alteration is predicted to be tolerated by in silico analysis. Since supporting evidence is limited at this time, the clinical significance of this alteration remains unclear.

NM_002471.4(MYH6):c.3974G>A (p.Gly1325Asp)

Gene: MYH6 (myosin heavy chain 6; minus strand). Cytogenetic location: 14q11.2.
Variant type: single nucleotide variant.
Coding change: c.3974G>A on transcript NM_002471.4 (MANE Select); coding-DNA position 3974, G replaced by A.
Protein change: p.Gly1325Asp; replaces glycine 1325 with aspartic acid.
Molecular consequence: missense variant.
Genome position (GRCh38, 1-based): chr14:23,389,397, C>T on the plus strand (G>A on the coding strand, the complement: MYH6 is on the minus strand). VCF-style: chr14-23389397-C-T. GRCh37 (hg19) VCF-style: chr14-23858606-C-T.
Other names: short protein forms G1325D.
Identifiers: ClinVar variation 1736638 (VCV001736638.2), dbSNP rs2502155924, ClinGen allele CA389002457.